The following is an entry in ClinVar:

ClinVar aggregate classification (germline): Benign/Likely benign. Review status: criteria provided, multiple submitters, no conflicts (2 of 4 stars). 5 submissions from 5 submitters: Benign (4); Likely benign (1). Last evaluated 2025-03-04.

Conditions:
Juvenile polyposis syndrome (JPS). Identifiers: Orphanet 2929, MedGen C0345893, MONDO:0017380, OMIM 174900.
Hereditary cancer-predisposing syndrome. Also called: Hereditary Cancer Syndrome; Hereditary neoplastic syndrome; Neoplastic Syndromes, Hereditary; Tumor predisposition. Identifiers: Orphanet 140162, MedGen C0027672, MeSH D009386, MONDO:0015356.
Generalized juvenile polyposis/juvenile polyposis coli. Also called: Juvenile polyposis coli. Identifiers: Orphanet 329971, MedGen C1868081, MONDO:0008276.

Allele frequency attached by ClinVar (database versions not stated): gnomAD exomes 0.00132 and 0.00365; ExAC 0.00451; gnomAD 0.01238 and 0.01322; TOPMed 0.01400; 1000 Genomes Project 30x 0.01530; 1000 Genomes Project 0.01577; ESP Exome Variant Server 0.01653.
gnomAD v4.1: 3,882 of 1,567,854 alleles (0.25%); highest among the groups gnomAD compares: African/African-American, 4.1%; 61 homozygotes.

Submissions (5):

Center for Genomic Medicine, Rigshospitalet, Copenhagen University Hospital
Classification: Benign. Last evaluated: 2025-03-04. Review status: criteria provided, single submitter. Criteria: ACMG Guidelines, 2015. Collection method: clinical testing. Allele origin: germline.

KCCC/NGS Laboratory, Kuwait Cancer Control Center
Classification: Likely benign for Juvenile polyposis syndrome. Last evaluated: 2023-07-07. Review status: criteria provided, single submitter. Criteria: ACMG Guidelines, 2015. Collection method: clinical testing. Allele origin: germline. Affected: yes.

Illumina Laboratory Services, Illumina
Classification: Benign for Juvenile polyposis syndrome. Last evaluated: 2018-01-13. Review status: criteria provided, single submitter. Criteria: ICSL Variant Classification Criteria 13 December 2019. Collection method: clinical testing. Allele origin: germline.
Comment: This variant was observed in the ICSL laboratory as part of a predisposition screen in an ostensibly healthy population. It had not been previously curated by ICSL or reported in the Human Gene Mutation Database (HGMD: prior to June 1st, 2018), and was therefore a candidate for classification through an automated scoring system. Utilizing variant allele frequency, disease prevalence and penetrance estimates, and inheritance mode, an automated score was calculated to assess if this variant is too frequent to cause the disease. Based on the score and internal cut-off values, a variant classified as benign is not then subjected to further curation. The score for this variant resulted in a classification of benign for this disease.

GeneDx
Classification: Benign. Last evaluated: 2015-03-03. Review status: criteria provided, single submitter. Criteria: GeneDx Variant Classification Process June 2021. Collection method: clinical testing. Allele origin: germline. Affected: yes.

Ambry Genetics
Classification: Benign for Hereditary cancer-predisposing syndrome. Last evaluated: 2014-08-18. Review status: criteria provided, single submitter. Criteria: Ambry Variant Classification Scheme 2023. Collection method: clinical testing. Allele origin: germline.

NM_004329.3(BMPR1A):c.-25A>G

Gene: BMPR1A (bone morphogenetic protein receptor type 1A; plus strand). Cytogenetic location: 10q23.2.
Variant type: single nucleotide variant.
Coding change: c.-25A>G on transcript NM_004329.3 (MANE Select); 25 bases upstream of the start codon, A replaced by G.
Molecular consequence: 5 prime UTR variant.
Genome position (GRCh38, 1-based): chr10:86,875,994, A>G. VCF-style: chr10-86875994-A-G. GRCh37 (hg19) VCF-style: chr10-88635751-A-G.
Identifiers: ClinVar variation 301350 (VCV000301350.11), dbSNP rs116346662, ClinGen allele CA5585399.
Genomic context (GRCh38, chr10:86,875,994, plus strand): 5'-CACTGAATGATAGTCATTTAAATTGGTGAAGTAGCAAGACCAATTATTAAAGGTGACAGT[A>G]CACAGGAAACATTACAATTGAACAATGCCTCAGCTATACATTTACATCAGATTATTGGGA-3'